The following is an entry in ClinVar:

ClinVar aggregate classification (germline): Uncertain significance (1 of 4 stars; one submission).

Conditions:
Cardiovascular phenotype. Identifiers: MedGen CN230736.

Allele frequency attached by ClinVar (database versions not stated): gnomAD exomes below 0.00001; gnomAD 0.00001; TOPMed 0.00001.
gnomAD v4.1: 2 of 1,539,204 alleles (0.00013%); highest among the groups gnomAD compares: African/African-American, 0.0014%; no homozygotes.

Submission:

Ambry Genetics
Classification: Uncertain significance for Cardiovascular phenotype. Last evaluated: 2023-06-21. Review status: criteria provided, single submitter. Criteria: Ambry Variant Classification Scheme 2023. Collection method: clinical testing. Allele origin: germline.
Comment: The p.R43H variant (also known as c.128G>A), located in coding exon 1 of the LOX gene, results from a G to A substitution at nucleotide position 128. The arginine at codon 43 is replaced by histidine, an amino acid with highly similar properties. This amino acid position is conserved. In addition, this alteration is predicted to be tolerated by in silico analysis. Since supporting evidence is limited at this time, the clinical significance of this alteration remains unclear.

NM_002317.7(LOX):c.128G>A (p.Arg43His)

Genes: LOX (lysyl oxidase; minus strand), SRFBP1 (serum response factor binding protein 1; plus strand). Cytogenetic location: 5q23.1.
Variant type: single nucleotide variant.
Coding change: c.128G>A on transcript NM_002317.7 (MANE Select); coding-DNA position 128, G replaced by A.
Protein change: p.Arg43His; replaces arginine 43 with histidine.
Molecular consequence: missense variant.
Genome position (GRCh38, 1-based): chr5:122,077,858, C>T on the plus strand (G>A on the coding strand, the complement: LOX is on the minus strand). VCF-style: chr5-122077858-C-T. GRCh37 (hg19) VCF-style: chr5-121413553-C-T.
Other names: short protein forms R43H.
Identifiers: ClinVar variation 2586590 (VCV002586590.2), dbSNP rs1261175120, ClinGen allele CA360878192.